The following is an entry in ClinVar:

ClinVar aggregate classification (germline): Benign/Likely benign. Review status: criteria provided, multiple submitters, no conflicts (2 of 4 stars). 5 submissions from 5 submitters: Benign (3); Likely benign (2). Last evaluated 2026-01-26.

Conditions:
Dextro-looped transposition of the great arteries. Also called: Dextrotransposition of the great arteries. Identifiers: Orphanet 860, MedGen C3531771, MONDO:0019443, OMIM 608808, HP:0031348.

Allele frequency attached by ClinVar (database versions not stated): gnomAD 0.00295 and 0.00273; 1000 Genomes Project 0.00300; ESP Exome Variant Server 0.00300; 1000 Genomes Project 30x 0.00328; TOPMed 0.00334; gnomAD exomes 0.00024 and 0.00071; ExAC 0.00096.
gnomAD v4.1: 778 of 1,613,968 alleles (0.048%); highest among the groups gnomAD compares: African/African-American, 0.93%; 3 homozygotes.

Submissions (5):

Labcorp Genetics (formerly Invitae), Labcorp
Classification: Benign for Dextro-looped transposition of the great arteries. Last evaluated: 2026-01-26. Review status: criteria provided, single submitter. Criteria: Invitae Variant Classification Sherloc (09022015). Collection method: clinical testing. Allele origin: germline.

CeGaT Center for Human Genetics Tuebingen
Classification: Likely benign. Last evaluated: 2024-09-01. Review status: criteria provided, single submitter. Criteria: CeGaT Center For Human Genetics Tuebingen Variant Classification Criteria Version 2. Collection method: clinical testing. Allele origin: germline. Affected: yes. Observed: 3 variant alleles.
Comment: MED13L: BP4, BP7, BS1

Blueprint Genetics
Classification: Likely benign. Last evaluated: 2024-01-17. Review status: criteria provided, single submitter. Criteria: ACMG Guidelines, 2015. Collection method: clinical testing. Allele origin: germline.

GeneDx
Classification: Benign. Last evaluated: 2021-04-27. Review status: criteria provided, single submitter. Criteria: GeneDx Variant Classification Process June 2021. Collection method: clinical testing. Allele origin: germline. Affected: yes.

Breakthrough Genomics
Classification: Benign. Review status: criteria provided, single submitter. Criteria: ACMG Guidelines, 2015. Collection method: not provided. Allele origin: germline. Inheritance: Autosomal dominant inheritance. Affected: yes.

NM_015335.5(MED13L):c.1725G>A (p.Ser575=)

Gene: MED13L (mediator complex subunit 13L; minus strand). Cytogenetic location: 12q24.21.
Variant type: single nucleotide variant.
Coding change: c.1725G>A on transcript NM_015335.5 (MANE Select); coding-DNA position 1725, G replaced by A.
Protein change: p.Ser575=; no amino-acid change (serine 575 retained).
Molecular consequence: synonymous variant.
Genome position (GRCh38, 1-based): chr12:116,008,688, C>T on the plus strand (G>A on the coding strand, the complement: MED13L is on the minus strand). VCF-style: chr12-116008688-C-T. GRCh37 (hg19) VCF-style: chr12-116446493-C-T.
Identifiers: ClinVar variation 695753 (VCV000695753.29), dbSNP rs77263223, ClinGen allele CA6811369.